The following is an entry in ClinVar:

ClinVar aggregate classification (germline): Pathogenic (1 of 4 stars; one submission).

Conditions:
Tyrosinase-positive oculocutaneous albinism (OCA2). Also called: ALBINISM II; Oculocutaneous albinism type 2; Albinism, oculocutaneous, type II. Identifiers: Orphanet 79432, MedGen C0268495, MONDO:0008746, OMIM 203200.

Submission:

Myriad Genetics, Inc.
Classification: Pathogenic for Tyrosinase-positive oculocutaneous albinism. Last evaluated: 2026-09-04. Review status: criteria provided, single submitter. Criteria: Myriad Autosomal Dominant, Autosomal Recessive and X-Linked Classification Criteria (2023). Collection method: clinical testing. Allele origin: unknown.
Comment: NM_000275.2(OCA2):c.1473dupT(I492Yfs*47) is expected to be pathogenic in the context of oculocutaneous albinism, OCA2-related. This variant is predicted to lead to an abnormal or absent protein product due to the creation of a premature termination codon in OCA2, a gene where loss-of-function variants are known to be pathogenic. Please note: this variant was assessed in the context of healthy population screening.

NM_000275.3(OCA2):c.1473dup (p.Ile492fs)

Gene: OCA2 (OCA2 melanosomal transmembrane protein; minus strand). Cytogenetic location: 15q13.1.
Variant type: Duplication.
Coding change: c.1473dup on transcript NM_000275.3 (MANE Select); coding-DNA position 1473, one base duplicated (T; older notation c.1473dupT).
Protein change: p.Ile492fs; shifts the reading frame from isoleucine 492.
Molecular consequence: frameshift variant.
Genome position (GRCh38, 1-based): chr15:27,983,375, A duplicated on the plus strand (T on the coding strand, the reverse complement: OCA2 is on the minus strand); the first of 2 consecutive A bases (chr15:27,983,375-27,983,376); duplicating either gives the same sequence. VCF-style (leftmost placement, unchanged base first): chr15-27983374-T-TA. GRCh37 (hg19) VCF-style: chr15-28228520-T-TA.
Other names: c.1401dup, p.Ile468fs (NM_001300984.2); short protein forms I468fs, I492fs.
Identifiers: ClinVar variation 5016318 (VCV005016318.1).